The following is an entry in ClinVar:

ClinVar aggregate classification (germline): Uncertain significance (1 of 4 stars; one submission).

Allele frequency attached by ClinVar (database versions not stated): gnomAD exomes 0.00001 and 0.00002; ExAC 0.00003.
gnomAD v4.1: 16 of 1,613,924 alleles (0.00099%); highest among the groups gnomAD compares: South Asian, 0.018%; no homozygotes.

Submission:

Labcorp Genetics (formerly Invitae), Labcorp
Classification: Uncertain significance. Last evaluated: 2022-06-20. Review status: criteria provided, single submitter. Criteria: Invitae Variant Classification Sherloc (09022015). Collection method: clinical testing. Allele origin: germline.
Comment: This variant is present in population databases (rs763276969, gnomAD 0.02%). In summary, the available evidence is currently insufficient to determine the role of this variant in disease. Therefore, it has been classified as a Variant of Uncertain Significance. Algorithms developed to predict the effect of sequence changes on RNA splicing suggest that this variant may create or strengthen a splice site. Algorithms developed to predict the effect of missense changes on protein structure and function are either unavailable or do not agree on the potential impact of this missense change (SIFT: "Tolerated"; PolyPhen-2: "Probably Damaging"; Align-GVGD: "Class C0"). This variant has not been reported in the literature in individuals affected with SPEG-related conditions. This sequence change replaces valine, which is neutral and non-polar, with methionine, which is neutral and non-polar, at codon 1292 of the SPEG protein (p.Val1292Met).

NM_005876.5(SPEG):c.3874G>A (p.Val1292Met)

Gene: SPEG (striated muscle enriched protein kinase; plus strand). Cytogenetic location: 2q35.
Variant type: single nucleotide variant.
Coding change: c.3874G>A on transcript NM_005876.5 (MANE Select); coding-DNA position 3874, G replaced by A.
Protein change: p.Val1292Met; replaces valine 1292 with methionine.
Molecular consequence: missense variant.
Genome position (GRCh38, 1-based): chr2:219,472,265, G>A. VCF-style: chr2-219472265-G-A. GRCh37 (hg19) VCF-style: chr2-220336987-G-A.
Other names: short protein forms V1292M.
Identifiers: ClinVar variation 1468400 (VCV001468400.8), dbSNP rs763276969, ClinGen allele CA2126322.